The following is an entry in ClinVar:

NM_014874.4(MFN2):c.1590_1591del (p.Cys530_Asp531delinsTer)

Gene: MFN2 (mitofusin 2; plus strand). Cytogenetic location: 1p36.22.
Variant type: Microsatellite.
Coding change: c.1590_1591del on transcript NM_014874.4 (MANE Select); coding-DNA positions 1590 to 1591, 2 bases deleted (TG; older notation c.1590_1591delTG).
Protein change: p.Cys530_Asp531delinsTer.
Molecular consequence: nonsense.
Genome position (GRCh38, 1-based): chr1:12,005,805-12,005,806, TG deleted; deleting any 2 consecutive bases within chr1:12,005,803-12,005,806 gives the same sequence; the c. name uses the placement nearest the transcript's 3' end. VCF-style (leftmost placement, unchanged base first): chr1-12005802-CTG-C. GRCh37 (hg19) VCF-style: chr1-12065859-CTG-C.
Other names: c.1590_1591del, p.Cys530_Asp531delinsTer (NM_001127660.2).
Identifiers: ClinVar variation 1458219 (VCV001458219.6), dbSNP rs2100853005, ClinGen allele CA2574216723.

ClinVar aggregate classification (germline): Pathogenic (1 of 4 stars; one submission).

Conditions:
Charcot-Marie-Tooth disease type 2. Also called: Charcot-Marie-Tooth type 2. Identifiers: Orphanet 64746, MedGen C0270914, MONDO:0018993.

Submission:

Labcorp Genetics (formerly Invitae), Labcorp
Classification: Pathogenic for Charcot-Marie-Tooth disease type 2. Last evaluated: 2023-06-30. Review status: criteria provided, single submitter. Criteria: Invitae Variant Classification Sherloc (09022015). Collection method: clinical testing. Allele origin: germline.
Comment: For these reasons, this variant has been classified as Pathogenic. Algorithms developed to predict the effect of sequence changes on RNA splicing suggest that this variant may create or strengthen a splice site. This variant has not been reported in the literature in individuals affected with MFN2-related conditions. This variant is not present in population databases (gnomAD no frequency). This sequence change creates a premature translational stop signal (p.Cys530*) in the MFN2 gene. It is expected to result in an absent or disrupted protein product. Loss-of-function variants in MFN2 are known to be pathogenic (PMID: 16714318, 16835246, 21715711, 23781337, 26955893).

Literature cited by the submitters: PubMed 16714318; PubMed 16835246; PubMed 21715711; PubMed 23781337; PubMed 26955893.